The following is an entry in ClinVar:

ClinVar aggregate classification (germline): Benign (1 of 4 stars; one submission).

Submission:

CeGaT Center for Human Genetics Tuebingen
Classification: Benign. Last evaluated: 2025-10-01. Review status: criteria provided, single submitter. Criteria: CeGaT Center For Human Genetics Tuebingen Variant Classification Criteria Version 2. Collection method: clinical testing. Allele origin: germline. Affected: yes. Observed: 1 variant allele.
Comment: P4HB: BS1, BS2

NM_000918.4(P4HB):c.1446+94G>C

Gene: P4HB (prolyl 4-hydroxylase subunit beta; minus strand). Cytogenetic location: 17q25.3.
Variant type: single nucleotide variant.
Coding change: c.1446+94G>C on transcript NM_000918.4 (MANE Select); 94 bases into the intron after coding-DNA position 1446, G replaced by C.
Molecular consequence: intron variant.
Genome position (GRCh38, 1-based): chr17:81,845,050, C>G on the plus strand (G>C on the coding strand, the complement: P4HB is on the minus strand). VCF-style: chr17-81845050-C-G. GRCh37 (hg19) VCF-style: chr17-79802926-C-G.
Identifiers: ClinVar variation 4533439 (VCV004533439.6).